The following is an entry in ClinVar:

ClinVar aggregate classification (germline): Uncertain significance (1 of 4 stars; one submission).

Conditions:
POLD1-related polyposis and colorectal cancer syndrome (CRCS10). Also called: COLORECTAL CANCER, SUSCEPTIBILITY TO, ON CHROMOSOME 19q; Colorectal cancer 10; Colorectal cancer, susceptibility to, 10. Identifiers: Orphanet 220460, MedGen C2675481, MONDO:0012953, OMIM 612591.

Submission:

Labcorp Genetics (formerly Invitae), Labcorp
Classification: Uncertain significance for POLD1-related polyposis and colorectal cancer syndrome. Last evaluated: 2022-10-12. Review status: criteria provided, single submitter. Criteria: Invitae Variant Classification Sherloc (09022015). Collection method: clinical testing. Allele origin: germline.
Comment: This variant is not present in population databases (gnomAD no frequency). This sequence change replaces serine, which is neutral and polar, with leucine, which is neutral and non-polar, at codon 783 of the POLD1 protein (p.Ser783Leu). This variant has not been reported in the literature in individuals affected with POLD1-related conditions. In summary, the available evidence is currently insufficient to determine the role of this variant in disease. Therefore, it has been classified as a Variant of Uncertain Significance. Advanced modeling of protein sequence and biophysical properties (such as structural, functional, and spatial information, amino acid conservation, physicochemical variation, residue mobility, and thermodynamic stability) performed at Invitae indicates that this missense variant is expected to disrupt POLD1 protein function.

NM_002691.4(POLD1):c.2348C>T (p.Ser783Leu)

Gene: POLD1 (DNA polymerase delta 1, catalytic subunit; plus strand). Cytogenetic location: 19q13.33.
Variant type: single nucleotide variant.
Coding change: c.2348C>T on transcript NM_002691.4 (MANE Select); coding-DNA position 2348, C replaced by T.
Protein change: p.Ser783Leu; replaces serine 783 with leucine.
Molecular consequence: missense variant. On other transcripts: non-coding transcript variant (1).
Genome position (GRCh38, 1-based): chr19:50,413,839, C>T. VCF-style: chr19-50413839-C-T. GRCh37 (hg19) VCF-style: chr19-50917096-C-T.
Other names: c.2348C>T, p.Ser783Leu (NM_001256849.1); c.2426C>T, p.Ser809Leu (NM_001308632.1); short protein forms S783L, S809L.
Identifiers: ClinVar variation 1721443 (VCV001721443.5), dbSNP rs2122450453, ClinGen allele CA406984280.